The following is an entry in ClinVar:

NM_000256.3(MYBPC3):c.1227-18C>A

Gene: MYBPC3 (myosin binding protein C3; minus strand). Cytogenetic location: 11p11.2.
Variant type: single nucleotide variant.
Coding change: c.1227-18C>A on transcript NM_000256.3 (MANE Select); 18 bases into the intron before coding-DNA position 1227, C replaced by A.
Molecular consequence: intron variant.
Genome position (GRCh38, 1-based): chr11:47,343,163, G>T on the plus strand (C>A on the coding strand, the complement: MYBPC3 is on the minus strand). VCF-style: chr11-47343163-G-T. GRCh37 (hg19) VCF-style: chr11-47364714-G-T.
Identifiers: ClinVar variation 669088 (VCV000669088.8), dbSNP rs761365956, ClinGen allele CA077925.

ClinVar aggregate classification (germline): Likely benign. Review status: criteria provided, multiple submitters, no conflicts (2 of 4 stars). 2 submissions from 2 submitters: Likely benign (2). Last evaluated 2026-01-11.

Conditions:
Hypertrophic cardiomyopathy. Also called: HYPERTROPHIC MYOCARDIOPATHY. Identifiers: Orphanet 217569, MedGen C0007194, MeSH D002312, MONDO:0005045, HP:0001639.

Allele frequency attached by ClinVar (database versions not stated): ExAC 0.00002; gnomAD 0.00002; gnomAD exomes 0.00002; TOPMed 0.00002.
gnomAD v4.1: 38 of 1,606,308 alleles (0.0024%); highest among the groups gnomAD compares: Non-Finnish European, 0.0031%; no homozygotes.

Submissions (2):

Labcorp Genetics (formerly Invitae), Labcorp
Classification: Likely benign for Hypertrophic cardiomyopathy. Last evaluated: 2026-01-11. Review status: criteria provided, single submitter. Criteria: Invitae Variant Classification Sherloc (09022015). Collection method: clinical testing. Allele origin: germline.

GeneDx
Classification: Likely benign. Last evaluated: 2018-04-06. Review status: criteria provided, single submitter. Criteria: GeneDx Variant Classification (06012015). Collection method: clinical testing. Allele origin: germline. Affected: yes.
Comment: This variant is considered likely benign or benign based on one or more of the following criteria: it is a conservative change, it occurs at a poorly conserved position in the protein, it is predicted to be benign by multiple in silico algorithms, and/or has population frequency not consistent with disease.